The following is an entry in ClinVar:

ClinVar aggregate classification (germline): Likely benign. Review status: criteria provided, single submitter (1 of 4 stars). 2 submissions from 2 submitters: Likely benign (1). 1 of the submissions does not count toward it. Last evaluated 2018-04-10.

Conditions:
MYH7B-related disorder. Also called: MYH7B-related condition.

Allele frequency attached by ClinVar (database versions not stated): gnomAD exomes 0.00003 and 0.00010; ExAC 0.00017; gnomAD 0.00047 and 0.00050; TOPMed 0.00053; ESP Exome Variant Server 0.00079; 1000 Genomes Project 0.00100; 1000 Genomes Project 30x 0.00125.
gnomAD v4.1: 116 of 1,614,018 alleles (0.0072%); highest among the groups gnomAD compares: African/African-American, 0.15%; no homozygotes.

Submissions (2):

Labcorp Genetics (formerly Invitae), Labcorp
Classification: Likely benign. Last evaluated: 2018-04-10. Review status: criteria provided, single submitter. Criteria: Invitae Variant Classification Sherloc (09022015). Collection method: clinical testing. Allele origin: germline.

PreventionGenetics, part of Exact Sciences
Classification: Likely benign for MYH7B-related condition. Last evaluated: 2024-09-16. Review status: no assertion criteria provided. Collection method: clinical testing. Allele origin: germline. Not counted in ClinVar's aggregate classification.
Comment: This variant is classified as likely benign based on ACMG/AMP sequence variant interpretation guidelines (Richards et al. 2015 PMID: 25741868, with internal and published modifications).

NM_020884.7(MYH7B):c.1978-9C>T

Gene: MYH7B (myosin heavy chain 7B; plus strand). Cytogenetic location: 20q11.22.
Variant type: single nucleotide variant.
Coding change: c.1978-9C>T on transcript NM_020884.7 (MANE Select); 9 bases into the intron before coding-DNA position 1978, C replaced by T.
Molecular consequence: intron variant.
Genome position (GRCh38, 1-based): chr20:34,990,729, C>T. VCF-style: chr20-34990729-C-T. GRCh37 (hg19) VCF-style: chr20-33578532-C-T.
Identifiers: ClinVar variation 742553 (VCV000742553.6), dbSNP rs199907684, ClinGen allele CA9827188.